The following is an entry in ClinVar:

ClinVar aggregate classification (germline): Pathogenic/Likely pathogenic. Review status: criteria provided, multiple submitters, no conflicts (2 of 4 stars). 4 submissions from 4 submitters: Pathogenic (2); Likely pathogenic (2). Last evaluated 2025-04-18.

Conditions:
Methylcobalamin deficiency type cblE (HMAE). Also called: HOMOCYSTINURIA-MEGALOBLASTIC ANEMIA, cblE COMPLEMENTATION TYPE; VITAMIN B12-RESPONSIVE HOMOCYSTINURIA, cblE TYPE; HOMOCYSTINURIA-MEGALOBLASTIC ANEMIA, cblE TYPE. Identifiers: Orphanet 2169, Orphanet 622, MedGen C1856057, MONDO:0009354, OMIM 236270.
Neural tube defects, folate-sensitive (NTDFS). Also called: NTD, FOLATE-SENSITIVE. Identifiers: Orphanet 823, MedGen C1866558, MONDO:0011120, OMIM 601634.

Allele frequency attached by ClinVar (database versions not stated): TOPMed below 0.00001; ExAC 0.00001.
gnomAD v4.1: 1 of 1,612,688 alleles (0.000062%); highest among the groups gnomAD compares: Admixed American, 0.0017%; no homozygotes.

Submissions (4):

Natera, Inc.
Classification: Likely pathogenic for CblE complementation type homocystinuria-megaloblastic anemia due to defect in cobalamin metabolism. Last evaluated: 2025-04-18. Review status: criteria provided, single submitter. Criteria: Natera Variant Classification Schema (03/2026). Collection method: clinical testing. Allele origin: germline.
Comment: The c.1677-1G>A variant in MTRR is a canonical splice acceptor site variant predicted to affect pre-mRNA splicing, which may result in an abnormal transcript and altered protein product. This variant may result in a truncated or dysfunctional protein product. This variant is rare in the general population with a frequency below the threshold expected for the associated phenotype(s). This variant has been observed in one or more individuals affected with the associated recessive disease, as either homozygous or compound heterozygous with a second variant (PMID: 25978498). Given the available evidence, this variant is classified as Likely Pathogenic.

Labcorp Genetics (formerly Invitae), Labcorp
Classification: Likely pathogenic for Methylcobalamin deficiency type cblE. Last evaluated: 2024-02-19. Review status: criteria provided, single submitter. Criteria: Invitae Variant Classification Sherloc (09022015). Collection method: clinical testing. Allele origin: germline.
Comment: This sequence change affects an acceptor splice site in intron 12 of the MTRR gene. It is expected to disrupt RNA splicing. Variants that disrupt the donor or acceptor splice site typically lead to a loss of protein function (PMID: 16199547), and loss-of-function variants in MTRR are known to be pathogenic (PMID: 15714522). This variant is present in population databases (rs747041200, gnomAD 0.003%). Disruption of this splice site has been observed in individual(s) with cobalamin E deficiency (PMID: 25978498). Algorithms developed to predict the effect of sequence changes on RNA splicing suggest that this variant may disrupt the consensus splice site. In summary, the currently available evidence indicates that the variant is pathogenic, but additional data are needed to prove that conclusively. Therefore, this variant has been classified as Likely Pathogenic.

Fulgent Genetics
Classification: Pathogenic for Methylcobalamin deficiency type cblE; Neural tube defects, folate-sensitive. Last evaluated: 2024-02-16. Review status: criteria provided, single submitter. Criteria: ACMG Guidelines, 2015. Collection method: clinical testing. Allele origin: germline.

Baylor Genetics
Classification: Pathogenic for Neural tube defects, folate-sensitive. Last evaluated: 2023-11-29. Review status: criteria provided, single submitter. Criteria: ACMG Guidelines, 2015. Collection method: clinical testing. Allele origin: unknown.

Literature cited by the submitters: PubMed 25978498 (cited by Natera, Inc. and Labcorp Genetics (formerly Invitae), Labcorp); PubMed 16199547 (cited by Labcorp Genetics (formerly Invitae), Labcorp); PubMed 15714522 (cited by Labcorp Genetics (formerly Invitae), Labcorp).

NM_002454.3(MTRR):c.1677-1G>A

Gene: MTRR (5-methyltetrahydrofolate-homocysteine methyltransferase reductase; plus strand). Cytogenetic location: 5p15.31.
Variant type: single nucleotide variant.
Coding change: c.1677-1G>A on transcript NM_002454.3 (MANE Select); the canonical splice acceptor site of the intron before coding-DNA position 1677, G replaced by A.
Molecular consequence: splice acceptor variant.
Genome position (GRCh38, 1-based): chr5:7,896,863, G>A. VCF-style: chr5-7896863-G-A. GRCh37 (hg19) VCF-style: chr5-7896976-G-A.
Other names: c.1677-1G>A (NM_001364440.2, NM_001364441.2, NM_001364442.2 and 2 more transcripts).
Identifiers: ClinVar variation 2676878 (VCV002676878.7), dbSNP rs747041200, ClinGen allele CA3196041.